The following is an entry in ClinVar:

NM_001003694.2(BRPF1):c.1918A>G (p.Thr640Ala)

Gene: BRPF1 (bromodomain and PHD finger containing 1; plus strand). Cytogenetic location: 3p25.3.
Variant type: single nucleotide variant.
Coding change: c.1918A>G on transcript NM_001003694.2 (MANE Select); coding-DNA position 1918, A replaced by G.
Protein change: p.Thr640Ala; replaces threonine 640 with alanine.
Molecular consequence: missense variant. On other transcripts: non-coding transcript variant (1).
Genome position (GRCh38, 1-based): chr3:9,742,088, A>G. VCF-style: chr3-9742088-A-G. GRCh37 (hg19) VCF-style: chr3-9783772-A-G.
Other names: c.1918A>G, p.Thr640Ala (NM_001319049.2, NM_001319050.2, NM_001410704.1 and 1 more transcripts); short protein forms T640A.
Identifiers: ClinVar variation 3372455 (VCV003372455.1).
Genomic context (GRCh38, chr3:9,742,088, plus strand): 5'-AAGGTTCAGCAGATTGCCATGGAGATGCAGCTGACTCCTTTCCTCATCCTCCTTCGCAAA[A>G]CCTTGGAGCAGCTCCAAGAGAAGGACACAGGCAACATCTTCAGCGAGCCGGTCCCTCTGT-3'
Protein context (NP_001003694.1, residues 630-650): LTPFLILLRK[Thr640Ala]LEQLQEKDTG

ClinVar aggregate classification (germline): Uncertain significance (1 of 4 stars; one submission).

gnomAD v4.1: 1 of 1,614,070 alleles (0.000062%); highest among the groups gnomAD compares: South Asian, 0.0011%; no homozygotes.

Submission:

GeneDx
Classification: Uncertain significance. Last evaluated: 2024-04-15. Review status: criteria provided, single submitter. Criteria: GeneDx Variant Classification Process June 2021. Collection method: clinical testing. Allele origin: germline. Affected: yes.
Comment: Not observed at significant frequency in large population cohorts (gnomAD); In silico analysis supports that this missense variant has a deleterious effect on protein structure/function; Has not been previously published as pathogenic or benign to our knowledge